The following is an entry in ClinVar:

NM_152730.6(TBC1D32):c.570A>G (p.Arg190=)

Gene: TBC1D32 (TBC1 domain family member 32; minus strand). Cytogenetic location: 6q22.31.
Variant type: single nucleotide variant.
Coding change: c.570A>G on transcript NM_152730.6 (MANE Select); coding-DNA position 570, A replaced by G.
Protein change: p.Arg190=; no amino-acid change (arginine 190 retained).
Molecular consequence: synonymous variant. On other transcripts: non-coding transcript variant (1).
Genome position (GRCh38, 1-based): chr6:121,308,096, T>C on the plus strand (A>G on the coding strand, the complement: TBC1D32 is on the minus strand). VCF-style: chr6-121308096-T-C. GRCh37 (hg19) VCF-style: chr6-121629242-T-C.
Other names: c.570A>G (NM_152730.5); c.570A>G, p.Arg190= (NM_001367759.1, NM_001367760.1).
Identifiers: ClinVar variation 2882229 (VCV002882229.6), dbSNP rs571743350, ClinGen allele CA3981453.

ClinVar aggregate classification (germline): Likely benign. Review status: criteria provided, multiple submitters, no conflicts (2 of 4 stars). 3 submissions from 3 submitters: Likely benign (3). Last evaluated 2026-06-01.

Conditions:
TBC1D32-related disorder. Also called: TBC1D32-related condition.

Allele frequency attached by ClinVar (database versions not stated): ExAC 0.00002; TOPMed 0.00002; gnomAD 0.00003; 1000 Genomes Project 0.00020; 1000 Genomes Project 30x 0.00031.
gnomAD v4.1: 48 of 1,609,590 alleles (0.003%); highest among the groups gnomAD compares: Admixed American, 0.012%; no homozygotes.

Submissions (3):

CeGaT Center for Human Genetics Tuebingen
Classification: Likely benign. Last evaluated: 2026-06-01. Review status: criteria provided, single submitter. Criteria: CeGaT Center For Human Genetics Tuebingen Variant Classification Criteria Version 2. Collection method: clinical testing. Allele origin: germline. Affected: yes. Observed: 1 variant allele.
Comment: TBC1D32: BP4, BP7

PreventionGenetics, part of Exact Sciences
Classification: Likely benign for TBC1D32-related condition. Last evaluated: 2025-01-06. Review status: criteria provided, single submitter. Criteria: ACMG Guidelines, 2015. Collection method: clinical testing. Allele origin: germline.
Comment: This variant is classified as likely benign based on ACMG/AMP sequence variant interpretation guidelines (Richards et al. 2015 PMID: 25741868, with internal and published modifications).

Labcorp Genetics (formerly Invitae), Labcorp
Classification: Likely benign. Last evaluated: 2023-10-05. Review status: criteria provided, single submitter. Criteria: Invitae Variant Classification Sherloc (09022015). Collection method: clinical testing. Allele origin: germline.